The following is an entry in ClinVar:

ClinVar aggregate classification (germline): Conflicting classifications of pathogenicity. Review status: criteria provided, conflicting classifications (1 of 4 stars). 2 submissions from 2 submitters: Uncertain significance (1); Likely benign (1). Last evaluated 2025-03-19.

Conditions:
Hereditary cancer-predisposing syndrome. Also called: Neoplastic Syndromes, Hereditary; Tumor predisposition; Hereditary neoplastic syndrome; Hereditary Cancer Syndrome. Identifiers: Orphanet 140162, MedGen C0027672, MeSH D009386, MONDO:0015356.
Hereditary breast ovarian cancer syndrome. Also called: BRCA1- and BRCA2-Associated Hereditary Breast and Ovarian Cancer; Hereditary breast and ovarian cancer; Hereditary breast and ovarian cancer syndrome; Hereditary breast and ovarian cancer syndrome (HBOC); Breast and ovarian cancer; Hereditary breast and/or ovarian cancer syndrome. Identifiers: Orphanet 145, MedGen C0677776, MeSH D061325, MONDO:0003582. Disease mechanism: loss of function.

Submissions (2):

Labcorp Genetics (formerly Invitae), Labcorp
Classification: Uncertain significance for Hereditary breast ovarian cancer syndrome. Last evaluated: 2025-03-19. Review status: criteria provided, single submitter. Criteria: Invitae Variant Classification Sherloc (09022015). Collection method: clinical testing. Allele origin: germline.
Comment: This sequence change replaces histidine, which is basic and polar, with arginine, which is basic and polar, at codon 257 of the BRCA1 protein (p.His257Arg). This variant is not present in population databases (gnomAD no frequency). This variant has not been reported in the literature in individuals affected with BRCA1-related conditions. ClinVar contains an entry for this variant (Variation ID: 1351073). Invitae Evidence Modeling of protein sequence and biophysical properties (such as structural, functional, and spatial information, amino acid conservation, physicochemical variation, residue mobility, and thermodynamic stability) indicates that this missense variant is not expected to disrupt BRCA1 protein function with a negative predictive value of 80%. In summary, the available evidence is currently insufficient to determine the role of this variant in disease. Therefore, it has been classified as a Variant of Uncertain Significance.

University of Washington Department of Laboratory Medicine, University of Washington
Classification: Likely benign for Hereditary cancer-predisposing syndrome. Last evaluated: 2023-03-23. Review status: criteria provided, single submitter. Criteria: Dines et al. (Genet Med. 2020). Collection method: curation. Allele origin: germline.
Comment: Missense variant in a coldspot region where missense variants are very unlikely to be pathogenic (PMID:31911673).

BRCA1 coldspot (exon 11 using historical exon numbering). Reclassification based on statistical prior probability

NM_007294.4(BRCA1):c.770A>G (p.His257Arg)

Gene: BRCA1 (BRCA1 DNA repair associated; minus strand). Cytogenetic location: 17q21.31.
Variant type: single nucleotide variant.
Coding change: c.770A>G on transcript NM_007294.4 (MANE Select); coding-DNA position 770, A replaced by G.
Protein change: p.His257Arg; replaces histidine 257 with arginine.
Molecular consequence: missense variant. On other transcripts: non-coding transcript variant (1).
Genome position (GRCh38, 1-based): chr17:43,094,761, T>C on the plus strand (A>G on the coding strand, the complement: BRCA1 is on the minus strand). VCF-style: chr17-43094761-T-C. GRCh37 (hg19) VCF-style: chr17-41246778-T-C.
Other names: c.644A>G, p.His215Arg (NM_001408448.1, NM_001408450.1, NM_001408445.1 and 20 more transcripts); c.635A>G, p.His212Arg (NM_001408451.1); c.647A>G, p.His216Arg (NM_001408442.1, NM_001408443.1, NM_001408437.1 and 34 more transcripts); c.557A>G, p.His186Arg (NM_001407571.1, NM_001407853.1, NM_001407894.1 and 12 more transcripts); c.770A>G, p.His257Arg (NM_001407581.1, NM_001407582.1, NM_001407583.1 and 54 more transcripts); c.767A>G, p.His256Arg (NM_001407587.1, NM_001407590.1, NM_001407591.1 and 38 more transcripts); c.761A>G, p.His254Arg (NM_001407646.1, NM_001407647.1, NM_001408408.1); c.692A>G, p.His231Arg (NM_001407653.1, NM_001407654.1, NM_001407655.1 and 9 more transcripts); and 14 more; short protein forms H210R, H257R, H168R, H186R, H187R, H230R, H256R, H190R.
Identifiers: ClinVar variation 1351073 (VCV001351073.11), dbSNP rs2154493359, ClinGen allele CA10600542.